The following is an entry in ClinVar:

NM_006859.4(LIAS):c.158T>A (p.Leu53His)

Gene: LIAS (lipoic acid synthetase; plus strand). Cytogenetic location: 4p14.
Variant type: single nucleotide variant.
Coding change: c.158T>A on transcript NM_006859.4 (MANE Select); coding-DNA position 158, T replaced by A.
Protein change: p.Leu53His; replaces leucine 53 with histidine.
Molecular consequence: missense variant.
Genome position (GRCh38, 1-based): chr4:39,460,902, T>A. VCF-style: chr4-39460902-T-A. GRCh37 (hg19) VCF-style: chr4-39462522-T-A.
Other names: c.158T>A, p.Leu53His (NM_001278590.2, NM_001278591.2, NM_001278592.2 and 2 more transcripts); short protein forms L53H.
Identifiers: ClinVar variation 1478813 (VCV001478813.6), dbSNP rs2109868054, ClinGen allele CA356663780.

ClinVar aggregate classification (germline): Uncertain significance (1 of 4 stars; one submission).

Conditions:
Lipoic acid synthetase deficiency. Also called: HYPERGLYCINEMIA, LACTIC ACIDOSIS, AND SEIZURES. Identifiers: Orphanet 401859, MedGen C3280887, MONDO:0013762, OMIM 614462.

Submission:

Labcorp Genetics (formerly Invitae), Labcorp
Classification: Uncertain significance for Lipoic acid synthetase deficiency. Last evaluated: 2022-03-18. Review status: criteria provided, single submitter. Criteria: Invitae Variant Classification Sherloc (09022015). Collection method: clinical testing. Allele origin: germline.
Comment: This variant is not present in population databases (gnomAD no frequency). This variant has not been reported in the literature in individuals affected with LIAS-related conditions. Algorithms developed to predict the effect of missense changes on protein structure and function are either unavailable or do not agree on the potential impact of this missense change (SIFT: "Tolerated"; PolyPhen-2: "Possibly Damaging"; Align-GVGD: "Class C0"). In summary, the available evidence is currently insufficient to determine the role of this variant in disease. Therefore, it has been classified as a Variant of Uncertain Significance. This sequence change replaces leucine, which is neutral and non-polar, with histidine, which is basic and polar, at codon 53 of the LIAS protein (p.Leu53His).